The following is an entry in ClinVar:

ClinVar aggregate classification (germline): Uncertain significance (1 of 4 stars; one submission).

gnomAD v4.1: 2 of 1,614,166 alleles (0.00012%); highest among the groups gnomAD compares: Non-Finnish European, 0.000085%; no homozygotes.

Submission:

GeneDx
Classification: Uncertain significance. Last evaluated: 2026-03-26. Review status: criteria provided, single submitter. Criteria: GeneDx Variant Classification Process June 2021. Collection method: clinical testing. Allele origin: germline.
Comment: Not observed at significant frequency in large population cohorts (gnomAD); In silico analysis supports that this missense variant has a deleterious effect on protein structure/function; Has been reported in a patient with ataxia but detailed clinical information was not available (PMID: 31692161); This variant is associated with the following publications: (PMID: 31692161)

NM_001020658.2(PUM1):c.283G>A (p.Gly95Arg)

Gene: PUM1 (pumilio RNA binding family member 1; minus strand). Cytogenetic location: 1p35.2.
Variant type: single nucleotide variant.
Coding change: c.283G>A on transcript NM_001020658.2 (MANE Select); coding-DNA position 283, G replaced by A.
Protein change: p.Gly95Arg; replaces glycine 95 with arginine.
Molecular consequence: missense variant.
Genome position (GRCh38, 1-based): chr1:31,059,284, C>T on the plus strand (G>A on the coding strand, the complement: PUM1 is on the minus strand). VCF-style: chr1-31059284-C-T. GRCh37 (hg19) VCF-style: chr1-31532131-C-T.
Other names: c.283G>A, p.Gly95Arg (NM_014676.3); short protein forms G95R.
Identifiers: ClinVar variation 5016717 (VCV005016717.1).